The following is an entry in ClinVar:

ClinVar aggregate classification (germline): Uncertain significance. Review status: criteria provided, multiple submitters, no conflicts (2 of 4 stars). 3 submissions from 3 submitters: Uncertain significance (3). Last evaluated 2026-07-01.

Conditions:
Inborn genetic diseases. Identifiers: MedGen C0950123, MeSH D030342.

Allele frequency attached by ClinVar (database versions not stated): ExAC 0.00016; gnomAD exomes 0.00018.
gnomAD v4.1: 297 of 1,612,628 alleles (0.018%); highest among the groups gnomAD compares: Non-Finnish European, 0.024%; no homozygotes.

Submissions (3):

CeGaT Center for Human Genetics Tuebingen
Classification: Uncertain significance. Last evaluated: 2026-07-01. Review status: criteria provided, single submitter. Criteria: CeGaT Center For Human Genetics Tuebingen Variant Classification Criteria Version 2. Collection method: clinical testing. Allele origin: germline. Affected: yes. Observed: 1 variant allele.
Comment: PIDD1: PM2

Greenwood Genetic Center Diagnostic Laboratories, Greenwood Genetic Center
Classification: Uncertain significance. Last evaluated: 2024-05-13. Review status: criteria provided, single submitter. Criteria: ACMG Guidelines, 2015. Collection method: clinical testing. Allele origin: germline. Affected: yes.
Comment: BP4

Ambry Genetics
Classification: Uncertain significance for Inborn genetic diseases. Last evaluated: 2021-06-21. Review status: criteria provided, single submitter. Criteria: Ambry Variant Classification Scheme 2023. Collection method: clinical testing. Allele origin: germline.

NM_145886.4(PIDD1):c.2363C>T (p.Thr788Met)

Gene: PIDD1 (p53-induced death domain protein 1; minus strand). Cytogenetic location: 11p15.5.
Variant type: single nucleotide variant.
Coding change: c.2363C>T on transcript NM_145886.4 (MANE Select); coding-DNA position 2363, C replaced by T.
Protein change: p.Thr788Met; replaces threonine 788 with methionine.
Molecular consequence: missense variant.
Genome position (GRCh38, 1-based): chr11:799,926, G>A on the plus strand (C>T on the coding strand, the complement: PIDD1 is on the minus strand). VCF-style: chr11-799926-G-A. GRCh37 (hg19) VCF-style: chr11-799926-G-A.
Other names: c.2312C>T, p.Thr771Met (NM_145887.4); short protein forms T788M, T771M.
Identifiers: ClinVar variation 2350685 (VCV002350685.4), dbSNP rs749370608, ClinGen allele CA5789587.